The following is an entry in ClinVar:

NM_006031.6(PCNT):c.825G>A (p.Thr275=)

Gene: PCNT (pericentrin; plus strand). Cytogenetic location: 21q22.3.
Variant type: single nucleotide variant.
Coding change: c.825G>A on transcript NM_006031.6 (MANE Select); coding-DNA position 825, G replaced by A.
Protein change: p.Thr275=; no amino-acid change (threonine 275 retained).
Molecular consequence: synonymous variant.
Genome position (GRCh38, 1-based): chr21:46,346,847, G>A. VCF-style: chr21-46346847-G-A. GRCh37 (hg19) VCF-style: chr21-47766761-G-A.
Other names: c.471G>A, p.Thr157= (NM_001315529.2); c.825G>A (NM_006031.5).
Identifiers: ClinVar variation 2919550 (VCV002919550.4), dbSNP rs2518057311, ClinGen allele CA513172728.

ClinVar aggregate classification (germline): Likely benign. Review status: criteria provided, single submitter (1 of 4 stars). 2 submissions from 2 submitters: Likely benign (1). 1 of the submissions does not count toward it. Last evaluated 2024-07-22.

Conditions:
PCNT-related disorder. Also called: PCNT-related condition.

gnomAD v4.1: 10 of 1,608,232 alleles (0.00062%); highest among the groups gnomAD compares: South Asian, 0.0011%; no homozygotes.

Submissions (2):

Labcorp Genetics (formerly Invitae), Labcorp
Classification: Likely benign. Last evaluated: 2024-07-22. Review status: criteria provided, single submitter. Criteria: Invitae Variant Classification Sherloc (09022015). Collection method: clinical testing. Allele origin: germline.

PreventionGenetics, part of Exact Sciences
Classification: Likely benign for PCNT-related condition. Last evaluated: 2024-01-05. Review status: no assertion criteria provided. Collection method: clinical testing. Allele origin: germline. Not counted in ClinVar's aggregate classification.
Comment: This variant is classified as likely benign based on ACMG/AMP sequence variant interpretation guidelines (Richards et al. 2015 PMID: 25741868, with internal and published modifications).